The following is an entry in ClinVar:

ClinVar aggregate classification (germline): Uncertain significance. Review status: criteria provided, multiple submitters, no conflicts (2 of 4 stars). 2 submissions from 2 submitters: Uncertain significance (2). Last evaluated 2025-09-21.

Conditions:
Immunodeficiency. Identifiers: MedGen C0021051, MONDO:0021094, HP:0002721.

Allele frequency attached by ClinVar (database versions not stated): ExAC 0.00002; gnomAD exomes 0.00003; TOPMed 0.00006; gnomAD 0.00007; ESP Exome Variant Server 0.00008.

Submissions (2):

Labcorp Genetics (formerly Invitae), Labcorp
Classification: Uncertain significance for Immunodeficiency. Last evaluated: 2025-09-21. Review status: criteria provided, single submitter. Criteria: Invitae Variant Classification Sherloc (09022015). Collection method: clinical testing. Allele origin: germline.
Comment: This sequence change replaces methionine, which is neutral and non-polar, with valine, which is neutral and non-polar, at codon 1147 of the NFAT5 protein (p.Met1147Val). This variant is present in population databases (rs149983493, gnomAD 0.004%). This variant has not been reported in the literature in individuals affected with NFAT5-related conditions. ClinVar contains an entry for this variant (Variation ID: 1495721). An algorithm developed to predict the effect of missense changes on protein structure and function (PolyPhen-2) suggests that this variant is likely to be tolerated. In summary, the available evidence is currently insufficient to determine the role of this variant in disease. Therefore, it has been classified as a Variant of Uncertain Significance.

Ambry Genetics
Classification: Uncertain significance. Last evaluated: 2024-03-25. Review status: criteria provided, single submitter. Criteria: Ambry Variant Classification Scheme 2023. Collection method: clinical testing. Allele origin: germline.

NM_138713.4(NFAT5):c.3721A>G (p.Met1241Val)

Gene: NFAT5 (nuclear factor of activated T cells 5; plus strand). Cytogenetic location: 16q22.1.
Variant type: single nucleotide variant.
Coding change: c.3721A>G on transcript NM_138713.4 (MANE Select); coding-DNA position 3721, A replaced by G.
Protein change: p.Met1241Val; replaces methionine 1241 with valine.
Molecular consequence: missense variant.
Genome position (GRCh38, 1-based): chr16:69,693,546, A>G. VCF-style: chr16-69693546-A-G. GRCh37 (hg19) VCF-style: chr16-69727449-A-G.
Other names: c.3721A>G (NM_138713.3); c.3718A>G, p.Met1240Val (NM_001113178.3); c.3046A>G, p.Met1016Val (NM_001367709.1); c.3667A>G, p.Met1223Val (NM_006599.4); c.3439A>G, p.Met1147Val (NM_138714.4, NM_173214.3, NM_173215.3); short protein forms M1147V, M1241V, M1240V, M1016V, M1223V.
Identifiers: ClinVar variation 1495721 (VCV001495721.7), dbSNP rs149983493, ClinGen allele CA8135940.
Genomic context (GRCh38, chr16:69,693,546, plus strand): 5'-CCCCCGCAGCAGGGTTTATTTCAGCCTCAGGTGGCCCTGGGCTCCCTTCCACCTAATCCA[A>G]TGCCTCAAAGCCAACAAGGAACCATGTTCCAGTCACAGCACTCAATAGTTGCCATGCAGA-3'
Protein context (NP_619727.2, residues 1231-1251): VALGSLPPNP[Met1241Val]PQSQQGTMFQ